The following is an entry in ClinVar:

ClinVar aggregate classification (germline): Conflicting classifications of pathogenicity. Review status: criteria provided, conflicting classifications (1 of 4 stars). 4 submissions from 4 submitters: Uncertain significance (2); Likely benign (2). Last evaluated 2026-01-26.

Conditions:
Inborn genetic diseases. Identifiers: MedGen C0950123, MeSH D030342.
Cone-rod dystrophy 15 (CORD15). Identifiers: MedGen C3150912, MONDO:0013348, OMIM 613660.

Allele frequency attached by ClinVar (database versions not stated): ExAC 0.00002; gnomAD exomes 0.00006 and 0.00011; gnomAD 0.00009; TOPMed 0.00009.
gnomAD v4.1: 178 of 1,614,096 alleles (0.011%); highest among the groups gnomAD compares: Middle Eastern, 0.033%; 1 homozygote.

Submissions (4):

Labcorp Genetics (formerly Invitae), Labcorp
Classification: Uncertain significance. Last evaluated: 2026-01-26. Review status: criteria provided, single submitter. Criteria: Invitae Variant Classification Sherloc (09022015). Collection method: clinical testing. Allele origin: germline.
Comment: This sequence change replaces valine, which is neutral and non-polar, with isoleucine, which is neutral and non-polar, at codon 478 of the CDHR1 protein (p.Val478Ile). This variant is present in population databases (rs756095042, gnomAD 0.02%). This variant has not been reported in the literature in individuals affected with CDHR1-related conditions. ClinVar contains an entry for this variant (Variation ID: 301239). Invitae Evidence Modeling of protein sequence and biophysical properties (such as structural, functional, and spatial information, amino acid conservation, physicochemical variation, residue mobility, and thermodynamic stability) indicates that this missense variant is not expected to disrupt CDHR1 protein function with a negative predictive value of 80%. In summary, the available evidence is currently insufficient to determine the role of this variant in disease. Therefore, it has been classified as a Variant of Uncertain Significance.

Blueprint Genetics
Classification: Likely benign. Last evaluated: 2024-03-23. Review status: criteria provided, single submitter. Criteria: ACMG Guidelines, 2015. Collection method: clinical testing. Allele origin: germline.

Ambry Genetics
Classification: Likely benign for Inborn genetic diseases. Last evaluated: 2021-09-27. Review status: criteria provided, single submitter. Criteria: Ambry Variant Classification Scheme 2023. Collection method: clinical testing. Allele origin: germline.

Illumina Laboratory Services, Illumina
Classification: Uncertain significance for Cone-rod dystrophy 15. Last evaluated: 2018-01-12. Review status: criteria provided, single submitter. Criteria: ICSL Variant Classification Criteria 13 December 2019. Collection method: clinical testing. Allele origin: germline.

NM_033100.4(CDHR1):c.1432G>A (p.Val478Ile)

Gene: CDHR1 (cadherin related family member 1; plus strand). Cytogenetic location: 10q23.1.
Variant type: single nucleotide variant.
Coding change: c.1432G>A on transcript NM_033100.4 (MANE Select); coding-DNA position 1432, G replaced by A.
Protein change: p.Val478Ile; replaces valine 478 with isoleucine.
Molecular consequence: missense variant.
Genome position (GRCh38, 1-based): chr10:84,211,112, G>A. VCF-style: chr10-84211112-G-A. GRCh37 (hg19) VCF-style: chr10-85970868-G-A.
Other names: c.1432G>A, p.Val478Ile (NM_001171971.3); c.1432G>A (NM_033100.2); short protein forms V478I.
Identifiers: ClinVar variation 301239 (VCV000301239.14), dbSNP rs756095042, ClinGen allele CA5579935.